The following is an entry in ClinVar:

ClinVar aggregate classification (germline): Likely pathogenic (1 of 4 stars; one submission).

Conditions:
Autosomal recessive nonsyndromic hearing loss 84B. Also called: Deafness, autosomal recessive 84b. Identifiers: Orphanet 90636, MedGen C3554159, MONDO:0013984, OMIM 614944.

Submission:

Juno Genomics, Hangzhou Juno Genomics, Inc
Classification: Likely pathogenic for Autosomal recessive nonsyndromic hearing loss 84B. Review status: criteria provided, single submitter. Criteria: ACMG Guidelines, 2015. Collection method: clinical testing. Allele origin: germline.
Comment: Absent from controls (or at extremely low frequency if recessive) in Genome Aggregation Database.;Null variant in a gene where loss of function (LOF) is a known mechanism of disease.

NM_001378609.3(OTOGL):c.5049_5050del (p.Cys1683fs)

Gene: OTOGL (otogelin like; plus strand). Cytogenetic location: 12q21.31.
Variant type: Microsatellite.
Coding change: c.5049_5050del on transcript NM_001378609.3 (MANE Select); coding-DNA positions 5049 to 5050, 2 bases deleted (TG; older notation c.5049_5050delTG).
Protein change: p.Cys1683fs; shifts the reading frame from cysteine 1683.
Molecular consequence: frameshift variant.
Genome position (GRCh38, 1-based): chr12:80,339,263-80,339,264, TG deleted; deleting any 2 consecutive bases within chr12:80,339,261-80,339,264 gives the same sequence; the c. name uses the placement nearest the transcript's 3' end. VCF-style (leftmost placement, unchanged base first): chr12-80339260-CTG-C. GRCh37 (hg19) VCF-style: chr12-80733040-CTG-C.
Other names: c.4914_4915del, p.Cys1638fs (NM_001368062.3); c.5049_5050del, p.Cys1683fs (NM_001378610.3, NM_173591.7); short protein forms C1638fs, C1683fs.
Identifiers: ClinVar variation 5019046 (VCV005019046.2).